The following is an entry in ClinVar:

NM_001042492.3(NF1):c.7823A>T (p.Glu2608Val)

Gene: NF1 (neurofibromin 1; plus strand). Cytogenetic location: 17q11.2.
Variant type: single nucleotide variant.
Coding change: c.7823A>T on transcript NM_001042492.3 (MANE Select); coding-DNA position 7823, A replaced by T.
Protein change: p.Glu2608Val; replaces glutamic acid 2608 with valine.
Molecular consequence: missense variant.
Genome position (GRCh38, 1-based): chr17:31,357,044, A>T. VCF-style: chr17-31357044-A-T. GRCh37 (hg19) VCF-style: chr17-29684062-A-T.
Other names: c.7760A>T, p.Glu2587Val (NM_000267.4); short protein forms E2608V, E2587V.
Identifiers: ClinVar variation 2863615 (VCV002863615.3), dbSNP rs2070289110, ClinGen allele CA399018583.

ClinVar aggregate classification (germline): Uncertain significance (1 of 4 stars; one submission).

Conditions:
Neurofibromatosis, type 1 (NF1). Also called: Neurofibromatosis, type I; NEUROFIBROMATOSIS, TYPE I, SOMATIC; Peripheral type neurofibromatosis; VON RECKLINGHAUSEN DISEASE. Identifiers: Orphanet 636, MedGen C0027831, MONDO:0018975, OMIM 162200. Disease mechanism: loss of function.

Submission:

Labcorp Genetics (formerly Invitae), Labcorp
Classification: Uncertain significance for Neurofibromatosis, type 1. Last evaluated: 2023-05-12. Review status: criteria provided, single submitter. Criteria: Invitae Variant Classification Sherloc (09022015). Collection method: clinical testing. Allele origin: germline.
Comment: In summary, the available evidence is currently insufficient to determine the role of this variant in disease. Therefore, it has been classified as a Variant of Uncertain Significance. Advanced modeling of protein sequence and biophysical properties (such as structural, functional, and spatial information, amino acid conservation, physicochemical variation, residue mobility, and thermodynamic stability) performed at Invitae indicates that this missense variant is expected to disrupt NF1 protein function. This variant has not been reported in the literature in individuals affected with NF1-related conditions. This variant is not present in population databases (gnomAD no frequency). This sequence change replaces glutamic acid, which is acidic and polar, with valine, which is neutral and non-polar, at codon 2587 of the NF1 protein (p.Glu2587Val).